The following is an entry in ClinVar:

NM_000257.4(MYH7):c.3732C>A (p.Asn1244Lys)

Gene: MYH7 (myosin heavy chain 7; minus strand). Cytogenetic location: 14q11.2.
Variant type: single nucleotide variant.
Coding change: c.3732C>A on transcript NM_000257.4 (MANE Select); coding-DNA position 3732, C replaced by A.
Protein change: p.Asn1244Lys; replaces asparagine 1244 with lysine.
Molecular consequence: missense variant.
Genome position (GRCh38, 1-based): chr14:23,419,604, G>T on the plus strand (C>A on the coding strand, the complement: MYH7 is on the minus strand). VCF-style: chr14-23419604-G-T. GRCh37 (hg19) VCF-style: chr14-23888813-G-T.
Other names: c.3732C>A, p.Asn1244Lys (NM_001407004.1); short protein forms N1244K.
Identifiers: ClinVar variation 1719081 (VCV001719081.5), dbSNP rs2502262236, ClinGen allele CA389042830.

ClinVar aggregate classification (germline): Uncertain significance (1 of 4 stars; one submission).

Conditions:
Hypertrophic cardiomyopathy. Also called: HYPERTROPHIC MYOCARDIOPATHY. Identifiers: Orphanet 217569, MedGen C0007194, MeSH D002312, MONDO:0005045, HP:0001639.

Submission:

Labcorp Genetics (formerly Invitae), Labcorp
Classification: Uncertain significance for Hypertrophic cardiomyopathy. Last evaluated: 2022-09-09. Review status: criteria provided, single submitter. Criteria: Invitae Variant Classification Sherloc (09022015). Collection method: clinical testing. Allele origin: germline.
Comment: In summary, the available evidence is currently insufficient to determine the role of this variant in disease. Therefore, it has been classified as a Variant of Uncertain Significance. Advanced modeling of protein sequence and biophysical properties (such as structural, functional, and spatial information, amino acid conservation, physicochemical variation, residue mobility, and thermodynamic stability) performed at Invitae indicates that this missense variant is expected to disrupt MYH7 protein function. This variant has not been reported in the literature in individuals affected with MYH7-related conditions. This variant is not present in population databases (gnomAD no frequency). This sequence change replaces asparagine, which is neutral and polar, with lysine, which is basic and polar, at codon 1244 of the MYH7 protein (p.Asn1244Lys).